The following is an entry in ClinVar:

ClinVar aggregate classification (germline): Uncertain significance (1 of 4 stars; one submission).

Conditions:
CHARGE syndrome (CHARGE). Also called: Hittner Hirsch Kreh syndrome; CHARGE ASSOCIATION--COLOBOMA, HEART ANOMALY, CHOANAL ATRESIA, RETARDATION, GENITAL AND EAR ANOMALIES; Coloboma, heart anomaly, choanal atresia, retardation, genital and ear anomalies; CHARGE association; Hall-Hittner syndrome. Identifiers: Orphanet 138, MedGen C0265354, MONDO:0008965.

Allele frequency attached by ClinVar (database versions not stated): gnomAD exomes below 0.00001.
gnomAD v4.1: 2 of 1,593,776 alleles (0.00013%); highest among the groups gnomAD compares: South Asian, 0.0023%; no homozygotes.

Submission:

Labcorp Genetics (formerly Invitae), Labcorp
Classification: Uncertain significance for CHARGE syndrome. Last evaluated: 2022-03-12. Review status: criteria provided, single submitter. Criteria: Invitae Variant Classification Sherloc (09022015). Collection method: clinical testing. Allele origin: germline.
Comment: Advanced modeling of protein sequence and biophysical properties (such as structural, functional, and spatial information, amino acid conservation, physicochemical variation, residue mobility, and thermodynamic stability) performed at Invitae indicates that this missense variant is not expected to disrupt CHD7 protein function. This variant has not been reported in the literature in individuals affected with CHD7-related conditions. This variant is not present in population databases (gnomAD no frequency). This sequence change replaces threonine, which is neutral and polar, with alanine, which is neutral and non-polar, at codon 2382 of the CHD7 protein (p.Thr2382Ala). In summary, the available evidence is currently insufficient to determine the role of this variant in disease. Therefore, it has been classified as a Variant of Uncertain Significance.

NM_017780.4(CHD7):c.7144A>G (p.Thr2382Ala)

Gene: CHD7 (chromodomain helicase DNA binding protein 7; plus strand). Cytogenetic location: 8q12.2.
Variant type: single nucleotide variant.
Coding change: c.7144A>G on transcript NM_017780.4 (MANE Select); coding-DNA position 7144, A replaced by G.
Protein change: p.Thr2382Ala; replaces threonine 2382 with alanine.
Molecular consequence: missense variant. On other transcripts: intron variant (1).
Genome position (GRCh38, 1-based): chr8:60,856,182, A>G. VCF-style: chr8-60856182-A-G. GRCh37 (hg19) VCF-style: chr8-61768741-A-G.
Other names: c.1717-6047A>G (NM_001316690.1); short protein forms T2382A.
Identifiers: ClinVar variation 1952344 (VCV001952344.5), dbSNP rs2488069517, ClinGen allele CA371299364.